The following is an entry in ClinVar:

NM_032856.5(WDR73):c.1038C>T (p.Thr346=)

Gene: WDR73 (WD repeat domain 73; minus strand). Cytogenetic location: 15q25.2.
Variant type: single nucleotide variant.
Coding change: c.1038C>T on transcript NM_032856.5 (MANE Select); coding-DNA position 1038, C replaced by T.
Protein change: p.Thr346=; no amino-acid change (threonine 346 retained).
Molecular consequence: synonymous variant. On other transcripts: non-coding transcript variant (4).
Genome position (GRCh38, 1-based): chr15:84,643,569, G>A on the plus strand (C>T on the coding strand, the complement: WDR73 is on the minus strand). VCF-style: chr15-84643569-G-A. GRCh37 (hg19) VCF-style: chr15-85186800-G-A.
Identifiers: ClinVar variation 3043644 (VCV003043644.2), dbSNP rs200294905, ClinGen allele CA7707159.

ClinVar aggregate classification (germline): Likely benign (0 of 4 stars; one submission).

Conditions:
WDR73-related disorder. Also called: WDR73-related disorders; WDR73-related condition.

Allele frequency attached by ClinVar (database versions not stated): TOPMed 0.00002; 1000 Genomes Project 30x 0.00016; ExAC 0.00019; 1000 Genomes Project 0.00020.
gnomAD v4.1: 118 of 1,611,782 alleles (0.0073%); highest among the groups gnomAD compares: East Asian, 0.2%; 1 homozygote.

Submission:

PreventionGenetics, part of Exact Sciences
Classification: Likely benign for WDR73-related condition. Last evaluated: 2019-06-13. Review status: no assertion criteria provided. Collection method: clinical testing. Allele origin: germline.
Comment: This variant is classified as likely benign based on ACMG/AMP sequence variant interpretation guidelines (Richards et al. 2015 PMID: 25741868, with internal and published modifications).